The following is an entry in ClinVar:

NM_001372076.1(PAX9):c.593_596dup (p.Asp200fs)

Gene: PAX9 (paired box 9; plus strand). Cytogenetic location: 14q13.3.
Variant type: Duplication.
Coding change: c.593_596dup on transcript NM_001372076.1 (MANE Select); coding-DNA positions 593 to 596, 4 bases duplicated (TCAC; older notation c.593_596dupTCAC).
Protein change: p.Asp200fs; shifts the reading frame from aspartic acid 200.
Molecular consequence: frameshift variant.
Genome position (GRCh38, 1-based): chr14:36,663,485-36,663,488, TCAC duplicated. VCF-style (leftmost placement, unchanged base first): chr14-36663484-G-GTCAC. GRCh37 (hg19) VCF-style: chr14-37132689-G-GTCAC.
Other names: c.593_596dup, p.Asp200fs (NM_006194.4); short protein forms D200fs.
Identifiers: ClinVar variation 2022895 (VCV002022895.4), dbSNP rs2502239143, ClinGen allele CA2580088078.
Genomic context (GRCh38, chr14:36,663,484, plus strand): 5'-GGGGTGCCTGCCATCCCCGGTTCGGTGGCCATGCCGCGCACCTGGCCCTCCTCGCACTCC[G>GTCAC]TCACCGACATCCTGGGCATCCGCTCCATCACCGACCAAGGTAGGGGCTCAGAGGCTGGGC-3'

ClinVar aggregate classification (germline): Pathogenic (1 of 4 stars; one submission).

Conditions:
Hypodontia. Also called: Partial congenital absence of teeth; TOOTH AGENESIS, FAMILIAL; Tooth agenesis, selective. Identifiers: Orphanet 99798, MedGen C0020608, MONDO:0005486, HP:0000668. Disease mechanism: loss of function.

Submission:

Labcorp Genetics (formerly Invitae), Labcorp
Classification: Pathogenic for Hypodontia. Last evaluated: 2022-08-08. Review status: criteria provided, single submitter. Criteria: Invitae Variant Classification Sherloc (09022015). Collection method: clinical testing. Allele origin: germline.
Comment: For these reasons, this variant has been classified as Pathogenic. This variant disrupts a region of the PAX9 protein in which other variant(s) (p.Val265Argfs*52) have been determined to be pathogenic (PMID: 11827258). This suggests that this is a clinically significant region of the protein, and that variants that disrupt it are likely to be disease-causing. This premature translational stop signal has been observed in individual(s) with clinical features of tooth agenesis (Invitae). This variant is not present in population databases (gnomAD no frequency). This sequence change creates a premature translational stop signal (p.Asp200Hisfs*118) in the PAX9 gene. While this is not anticipated to result in nonsense mediated decay, it is expected to disrupt the last 142 amino acid(s) of the PAX9 protein.

Literature cited by the submitters: PubMed 11827258.